The following is an entry in ClinVar:

NM_014976.2(PDCD11):c.4570A>C (p.Lys1524Gln)

Gene: PDCD11 (programmed cell death 11; plus strand). Cytogenetic location: 10q24.33.
Variant type: single nucleotide variant.
Coding change: c.4570A>C on transcript NM_014976.2 (MANE Select); coding-DNA position 4570, A replaced by C.
Protein change: p.Lys1524Gln; replaces lysine 1524 with glutamine.
Molecular consequence: missense variant.
Genome position (GRCh38, 1-based): chr10:103,441,838, A>C. VCF-style: chr10-103441838-A-C. GRCh37 (hg19) VCF-style: chr10-105201595-A-C.
Other names: c.4570A>C, p.Lys1524Gln (NM_001411058.1); short protein forms K1524Q.
Identifiers: ClinVar variation 2640806 (VCV002640806.24), dbSNP rs61751513, ClinGen allele CA5673851.

ClinVar aggregate classification (germline): Likely benign (1 of 4 stars; one submission).

Allele frequency attached by ClinVar (database versions not stated): 1000 Genomes Project 0.00120; 1000 Genomes Project 30x 0.00125; TOPMed 0.00338; gnomAD 0.00342; ExAC 0.00364; gnomAD exomes 0.00435; ESP Exome Variant Server 0.00469.

Submission:

CeGaT Center for Human Genetics Tuebingen
Classification: Likely benign. Last evaluated: 2023-02-01. Review status: criteria provided, single submitter. Criteria: CeGaT Center For Human Genetics Tuebingen Variant Classification Criteria Version 2. Collection method: clinical testing. Allele origin: germline. Affected: yes. Observed: 1 variant allele.
Comment: PDCD11: BP4, BS2